The following is an entry in ClinVar:

ClinVar aggregate classification (germline): Uncertain significance (1 of 4 stars; one submission).

Submission:

Labcorp Genetics (formerly Invitae), Labcorp
Classification: Uncertain significance. Last evaluated: 2022-08-16. Review status: criteria provided, single submitter. Criteria: Invitae Variant Classification Sherloc (09022015). Collection method: clinical testing. Allele origin: germline.
Comment: In summary, the available evidence is currently insufficient to determine the role of this variant in disease. Therefore, it has been classified as a Variant of Uncertain Significance. Algorithms developed to predict the effect of missense changes on protein structure and function are either unavailable or do not agree on the potential impact of this missense change (SIFT: "Not Available"; PolyPhen-2: "Benign"; Align-GVGD: "Not Available"). This variant has not been reported in the literature in individuals affected with TSEN34-related conditions. This variant is not present in population databases (gnomAD no frequency). This sequence change replaces serine, which is neutral and polar, with asparagine, which is neutral and polar, at codon 134 of the TSEN34 protein (p.Ser134Asn).

NM_001077446.4(TSEN34):c.401G>A (p.Ser134Asn)

Gene: TSEN34 (tRNA splicing endonuclease subunit 34; plus strand). Cytogenetic location: 19q13.42.
Variant type: single nucleotide variant.
Coding change: c.401G>A on transcript NM_001077446.4 (MANE Select); coding-DNA position 401, G replaced by A.
Protein change: p.Ser134Asn; replaces serine 134 with asparagine.
Molecular consequence: missense variant.
Genome position (GRCh38, 1-based): chr19:54,191,878, G>A. VCF-style: chr19-54191878-G-A. GRCh37 (hg19) VCF-style: chr19-54695729-G-A.
Other names: c.401G>A, p.Ser134Asn (NM_001282332.2, NM_001282333.2, NM_001386740.1 and 1 more transcripts); short protein forms S134N.
Identifiers: ClinVar variation 1960343 (VCV001960343.5), dbSNP rs2515411333, ClinGen allele CA407762837.